The following is an entry in ClinVar:

NM_003107.3(SOX4):c.185C>T (p.Pro62Leu)

Gene: SOX4 (SRY-box transcription factor 4; plus strand). Cytogenetic location: 6p22.3.
Variant type: single nucleotide variant.
Coding change: c.185C>T on transcript NM_003107.3 (MANE Select); coding-DNA position 185, C replaced by T.
Protein change: p.Pro62Leu; replaces proline 62 with leucine.
Molecular consequence: missense variant.
Genome position (GRCh38, 1-based): chr6:21,594,719, C>T. VCF-style: chr6-21594719-C-T. GRCh37 (hg19) VCF-style: chr6-21594950-C-T.
Other names: short protein forms P62L.
Identifiers: ClinVar variation 3629480 (VCV003629480.1).
Genomic context (GRCh38, chr6:21,594,719, plus strand): 5'-CGGGCGGCAAGGCCGACGACCCGAGCTGGTGCAAGACCCCGAGTGGGCACATCAAGCGAC[C>T]CATGAACGCCTTCATGGTGTGGTCGCAGATCGAGCGGCGCAAGATCATGGAGCAGTCGCC-3'
Protein context (NP_003098.1, residues 52-72): CKTPSGHIKR[Pro62Leu]MNAFMVWSQI

ClinVar aggregate classification (germline): Likely pathogenic (1 of 4 stars; one submission).

Conditions:
Coffin-Siris syndrome 10. Also called: INTELLECTUAL DEVELOPMENTAL DISORDER WITH SPEECH DELAY AND DYSMORPHIC FACIES. Identifiers: MedGen C4760583, MONDO:0032791, OMIM 618506.

Submission:

Department of Human Genetics, Hannover Medical School
Classification: Likely pathogenic for Coffin-Siris syndrome 10. Last evaluated: 2025-02-14. Review status: criteria provided, single submitter. Criteria: ACMG Guidelines, 2015. Collection method: clinical testing. Allele origin: de novo. Inheritance: Autosomal dominant inheritance. Affected: yes.
Comment: aCMG: PS2_Supporting, PM1_Supporting, PM2_Supporting, PP3_Strong